The following is an entry in ClinVar:

ClinVar aggregate classification (germline): Uncertain significance. Review status: criteria provided, multiple submitters, no conflicts (2 of 4 stars). 2 submissions from 2 submitters: Uncertain significance (2). Last evaluated 2021-12-19.

Conditions:
Nephronophthisis. Also called: Juvenile Nephronophthisis. Identifiers: Orphanet 655, MedGen C0687120, MONDO:0019005, HP:0000090.

Allele frequency attached by ClinVar (database versions not stated): TOPMed 0.00001; ExAC 0.00002; gnomAD exomes 0.00002; ESP Exome Variant Server 0.00016.
gnomAD v4.1: 31 of 1,611,718 alleles (0.0019%); highest among the groups gnomAD compares: Non-Finnish European, 0.0026%; no homozygotes.

Submissions (2):

Labcorp Genetics (formerly Invitae), Labcorp
Classification: Uncertain significance for Nephronophthisis. Last evaluated: 2021-12-19. Review status: criteria provided, single submitter. Criteria: Invitae Variant Classification Sherloc (09022015). Collection method: clinical testing. Allele origin: germline.
Comment: This sequence change replaces serine, which is neutral and polar, with phenylalanine, which is neutral and non-polar, at codon 604 of the NPHP4 protein (p.Ser604Phe). This variant is present in population databases (rs370529514, gnomAD 0.004%). This variant has not been reported in the literature in individuals affected with NPHP4-related conditions. Algorithms developed to predict the effect of missense changes on protein structure and function output the following: SIFT: "Deleterious"; PolyPhen-2: "Benign"; Align-GVGD: "Class C0". The phenylalanine amino acid residue is found in multiple mammalian species, which suggests that this missense change does not adversely affect protein function. In summary, the available evidence is currently insufficient to determine the role of this variant in disease. Therefore, it has been classified as a Variant of Uncertain Significance.

Blueprint Genetics
Classification: Uncertain significance. Last evaluated: 2021-11-09. Review status: criteria provided, single submitter. Criteria: ACMG Guidelines, 2015. Collection method: clinical testing. Allele origin: germline.

NM_015102.5(NPHP4):c.1811C>T (p.Ser604Phe)

Gene: NPHP4 (nephrocystin 4; minus strand). Cytogenetic location: 1p36.31.
Variant type: single nucleotide variant.
Coding change: c.1811C>T on transcript NM_015102.5 (MANE Select); coding-DNA position 1811, C replaced by T.
Protein change: p.Ser604Phe; replaces serine 604 with phenylalanine.
Molecular consequence: missense variant. On other transcripts: non-coding transcript variant (1).
Genome position (GRCh38, 1-based): chr1:5,905,436, G>A on the plus strand (C>T on the coding strand, the complement: NPHP4 is on the minus strand). VCF-style: chr1-5905436-G-A. GRCh37 (hg19) VCF-style: chr1-5965496-G-A.
Other names: c.272C>T, p.Ser91Phe (NM_001291593.2); c.275C>T, p.Ser92Phe (NM_001291594.2); short protein forms S92F, S604F, S91F.
Identifiers: ClinVar variation 2082065 (VCV002082065.5), dbSNP rs370529514, ClinGen allele CA554360.